The following is an entry in ClinVar:

ClinVar aggregate classification (germline): Uncertain significance. Review status: criteria provided, multiple submitters, no conflicts (2 of 4 stars). 2 submissions from 2 submitters: Uncertain significance (2). Last evaluated 2024-02-23.

Conditions:
Nephronophthisis. Also called: Juvenile Nephronophthisis. Identifiers: Orphanet 655, MedGen C0687120, MONDO:0019005, HP:0000090.

Allele frequency attached by ClinVar (database versions not stated): TOPMed below 0.00001; gnomAD 0.00001; ExAC 0.00002; ESP Exome Variant Server 0.00008.
gnomAD v4.1: 21 of 1,610,682 alleles (0.0013%); highest among the groups gnomAD compares: South Asian, 0.0033%; no homozygotes.

Submissions (2):

Labcorp Genetics (formerly Invitae), Labcorp
Classification: Uncertain significance for Nephronophthisis. Last evaluated: 2024-02-23. Review status: criteria provided, single submitter. Criteria: Invitae Variant Classification Sherloc (09022015). Collection method: clinical testing. Allele origin: germline.
Comment: This sequence change replaces arginine, which is basic and polar, with histidine, which is basic and polar, at codon 512 of the NPHP3 protein (p.Arg512His). The frequency data for this variant in the population databases is considered unreliable, as metrics indicate poor data quality at this position in the gnomAD database. This variant has not been reported in the literature in individuals affected with NPHP3-related conditions. ClinVar contains an entry for this variant (Variation ID: 1956490). Advanced modeling of protein sequence and biophysical properties (such as structural, functional, and spatial information, amino acid conservation, physicochemical variation, residue mobility, and thermodynamic stability) performed at Invitae indicates that this missense variant is not expected to disrupt NPHP3 protein function with a negative predictive value of 80%. In summary, the available evidence is currently insufficient to determine the role of this variant in disease. Therefore, it has been classified as a Variant of Uncertain Significance.

Blueprint Genetics
Classification: Uncertain significance. Last evaluated: 2023-05-17. Review status: criteria provided, single submitter. Criteria: ACMG Guidelines, 2015. Collection method: clinical testing. Allele origin: germline.

NM_153240.5(NPHP3):c.1535G>A (p.Arg512His)

Genes: NPHP3 (nephrocystin 3; minus strand), NPHP3-ACAD11 (NPHP3-ACAD11 readthrough (NMD candidate); minus strand). Cytogenetic location: 3q22.1.
Variant type: single nucleotide variant.
Coding change: c.1535G>A on transcript NM_153240.5 (MANE Select); coding-DNA position 1535, G replaced by A.
Protein change: p.Arg512His; replaces arginine 512 with histidine.
Molecular consequence: missense variant. On other transcripts: non-coding transcript variant (1).
Genome position (GRCh38, 1-based): chr3:132,701,523, C>T on the plus strand (G>A on the coding strand, the complement: NPHP3 is on the minus strand). VCF-style: chr3-132701523-C-T. GRCh37 (hg19) VCF-style: chr3-132420367-C-T.
Other names: short protein forms R512H.
Identifiers: ClinVar variation 1956490 (VCV001956490.5), dbSNP rs370360273, ClinGen allele CA2622264.